The following is an entry in ClinVar:

NM_000532.5(PCCB):c.1309G>A (p.Gly437Ser)

Gene: PCCB (propionyl-CoA carboxylase subunit beta; plus strand). Cytogenetic location: 3q22.3.
Variant type: single nucleotide variant.
Coding change: c.1309G>A on transcript NM_000532.5 (MANE Select); coding-DNA position 1309, G replaced by A.
Protein change: p.Gly437Ser; replaces glycine 437 with serine.
Molecular consequence: missense variant.
Genome position (GRCh38, 1-based): chr3:136,327,643, G>A. VCF-style: chr3-136327643-G-A. GRCh37 (hg19) VCF-style: chr3-136046485-G-A.
Other names: c.1369G>A, p.Gly457Ser (NM_001178014.2); short protein forms G437S, G457S.
Identifiers: ClinVar variation 836321 (VCV000836321.18), dbSNP rs1349202366, ClinGen allele CA354649286.

ClinVar aggregate classification (germline): Pathogenic/Likely pathogenic. Review status: criteria provided, multiple submitters, no conflicts (2 of 4 stars). 8 submissions from 8 submitters: Pathogenic (3); Likely pathogenic (5). Last evaluated 2026-05-11.

Conditions:
Propionic acidemia (PROP). Also called: GLYCINEMIA, KETOTIC; HYPERGLYCINEMIA WITH KETOACIDOSIS AND LEUKOPENIA; KETOTIC HYPERGLYCINEMIA. Identifiers: Orphanet 35, MedGen C0268579, MONDO:0011628, OMIM 606054, HP:0003571.
PCCB-related disorder. Also called: PCCB-related condition.

Allele frequency attached by ClinVar (database versions not stated): gnomAD 0.00001; gnomAD exomes 0.00001; TOPMed 0.00002.
gnomAD v4.1: 8 of 1,612,922 alleles (0.0005%); highest among the groups gnomAD compares: Admixed American, 0.0083%; no homozygotes.

Submissions (8):

Women's Health and Genetics/Laboratory Corporation of America, LabCorp
Classification: Pathogenic for Propionic acidemia. Last evaluated: 2026-05-11. Review status: criteria provided, single submitter. Criteria: LabCorp Variant Classification Summary - May 2015. Collection method: clinical testing. Allele origin: germline.
Comment: Variant summary: PCCB c.1309G>A (p.Gly437Ser) results in a non-conservative amino acid change in the encoded protein sequence. Algorithms developed to predict the effect of missense changes on protein structure and function all suggest that this variant is likely to be disruptive. The variant allele was found at a frequency of 1.2e-05 in 251330 control chromosomes. c.1309G>A has been observed as a biallelic genotype in multiple individuals affected with Propionic Acidemia (e.g. Kraus_2012, Silva_2024, internal data). These data indicate that the variant is very likely to be associated with disease. To our knowledge, no experimental evidence demonstrating an impact on protein function has been reported. The following publications have been ascertained in the context of this evaluation (PMID: 22033733, 38722054). ClinVar contains an entry for this variant (Variation ID: 836321). Based on the evidence outlined above, the variant was classified as pathogenic.

Labcorp Genetics (formerly Invitae), Labcorp
Classification: Pathogenic for Propionic acidemia. Last evaluated: 2026-02-01. Review status: criteria provided, single submitter. Criteria: Invitae Variant Classification Sherloc (09022015). Collection method: clinical testing. Allele origin: germline.
Comment: This sequence change replaces glycine, which is neutral and non-polar, with serine, which is neutral and polar, at codon 437 of the PCCB protein (p.Gly437Ser). This variant is present in population databases (no rsID available, gnomAD 0.009%). This missense change has been observed in individual(s) with propionic acidemia (PMID: 22033733; internal data). In at least one individual the data is consistent with being in trans (on the opposite chromosome) from a pathogenic variant. ClinVar contains an entry for this variant (Variation ID: 836321). Invitae Evidence Modeling of protein sequence and biophysical properties (such as structural, functional, and spatial information, amino acid conservation, physicochemical variation, residue mobility, and thermodynamic stability) indicates that this missense variant is expected to disrupt PCCB protein function with a positive predictive value of 95%. For these reasons, this variant has been classified as Pathogenic.

Natera, Inc.
Classification: Likely pathogenic for Propionic acidemia. Last evaluated: 2025-02-18. Review status: criteria provided, single submitter. Criteria: Natera Variant Classification Schema (03/2026). Collection method: clinical testing. Allele origin: germline.
Comment: The c.1309G>A variant in PCCB is a missense variant predicted to cause substitution of glycine to serine at amino acid 437. This variant is rare in the general population with a frequency below the threshold expected for the associated phenotype(s). This variant has been observed in one or more individuals affected with the associated recessive disease, as either homozygous or compound heterozygous with a second variant (PMID: 22033733, 38722054). This variant has been identified in one or more affected individuals with a phenotype highly consistent with the associated gene (PMID: 22033733, 38722054). Computational prediction algorithms indicate this variant is likely to affect gene or protein function. Given the available evidence, this variant is classified as Likely Pathogenic.

PreventionGenetics, part of Exact Sciences
Classification: Likely pathogenic for PCCB-related condition. Last evaluated: 2025-02-06. Review status: criteria provided, single submitter. Criteria: ACMG Guidelines, 2015. Collection method: clinical testing. Allele origin: germline.
Comment: The PCCB c.1309G>A variant is predicted to result in the amino acid substitution p.Gly437Ser. This variant was reported in the homozygous state in a suspected propionic acidemia patient (Kraus et al 2012. PubMed ID: 22033733). This variant was also reported in a set of individuals with inborn errors of metabolism; however, no clinical information was provided and the variant zygosity or presence of another variant was not specified (Table S5, Adhikari et al. 2020. PubMed ID: 32778825). We have also observed this variant along with a second pathogenic or likely pathogenic PCCB variant in additional presumably unrelated individuals, with the two observed variants confirmed in trans in one family (PreventionGenetics, Internal Data). This variant is reported in 0.0087% of alleles in individuals of Latino descent in gnomAD. In ClinVar, this variant has been interpreted as likely pathogenic and pathogenic. Taken together, this variant is interpreted as likely pathogenic.

3billion
Classification: Likely pathogenic for Propionic acidemia. Last evaluated: 2025-01-25. Review status: criteria provided, single submitter. Criteria: ACMG Guidelines, 2015. Collection method: clinical testing. Allele origin: germline. Affected: yes.
Comment: The variant is observed at an extremely low frequency in the gnomAD v4.1.0 dataset (total allele frequency: <0.001%). Predicted Consequence/Location: Missense variant In silico tool predictions suggest damaging effect of the variant on gene or gene product [REVEL: 0.98 (>=0.6, sensitivity 0.68 and specificity 0.92); 3Cnet: 0.96 (>=0.6, sensitivity 0.72 and precision 0.9)]. The same nucleotide change resulting in the same amino acid change has been previously reported as pathogenic/likely pathogenic with strong evidence (ClinVar ID: VCV000836321 /PMID: 22033733). Different missense changes at the same codon (p.Gly437Asp, p.Gly437Cys) have been reported as pathogenic/likely pathogenic with strong evidence (ClinVar ID: VCV002901290, VCV002916846). Therefore, this variant is classified as Likely pathogenic according to the recommendation of ACMG/AMP guideline.

Baylor Genetics
Classification: Likely pathogenic for Propionic acidemia. Last evaluated: 2024-02-23. Review status: criteria provided, single submitter. Criteria: ACMG Guidelines, 2015. Collection method: clinical testing. Allele origin: unknown.

Fulgent Genetics
Classification: Likely pathogenic for Propionic acidemia. Last evaluated: 2024-01-02. Review status: criteria provided, single submitter. Criteria: ACMG Guidelines, 2015. Collection method: clinical testing. Allele origin: germline.

Center for Genomics, Ann and Robert H. Lurie Children's Hospital of Chicago
Classification: Pathogenic for Propionic acidemia. Last evaluated: 2022-08-15. Review status: criteria provided, single submitter. Criteria: ACMG Guidelines, 2015. Collection method: clinical testing. Allele origin: germline.
Comment: This variant has been reported in the literature in the homozygous or compound heterozygous state in at least 2 individuals with propionic acidemia (Kraus 2012 PMID: 22033733; Adhikari 2020 PMID: 32778825); it has also been identified to be in trans with a pathogenic variant in at least 1 affected individual at an external laboratory (Invitae data, ClinVar Variation ID: 836321). This variant is present in the Genome Aggregation Database (Highest reported MAF: 0.009% [3/34588]); please note, disease-causing variants may be present in control databases at low frequencies, reflective of the general population, carrier status, and/or variable expressivity. Evolutionary conservation and computational predictive tools strongly suggest that this variant may impact the protein. In summary, this variant is classified as pathogenic.

Literature cited by the submitters: PubMed 22033733 (cited by 4 submitters); PubMed 38722054 (cited by Women's Health and Genetics/Laboratory Corporation of America, LabCorp and Natera, Inc.).